The following is an entry in ClinVar:

NM_020442.6(VARS2):c.-36G>A

Gene: VARS2 (valyl-tRNA synthetase 2, mitochondrial; plus strand). Cytogenetic location: 6p21.33.
Variant type: single nucleotide variant.
Coding change: c.-36G>A on transcript NM_020442.6 (MANE Select); 36 bases upstream of the start codon, G replaced by A.
Molecular consequence: 5 prime UTR variant.
Genome position (GRCh38, 1-based): chr6:30,914,336, G>A. VCF-style: chr6-30914336-G-A. GRCh37 (hg19) VCF-style: chr6-30882113-G-A.
Other names: c.-228G>A (NM_001167733.3); c.-76G>A (NM_001167734.2).
Identifiers: ClinVar variation 507743 (VCV000507743.1), dbSNP rs1017986679, ClinGen allele CA136802212.
Genomic context (GRCh38, chr6:30,914,336, plus strand): 5'-GGTCGGGTTTGGTGGATTCCTCAGTCCCTGCCGCCGCGGGGCGCCCTGGGATAGCGGCGG[G>A]GCCTCCTGGTGAGCGCGCGCCGGGGCGGCCTCCGGGAAGTGGGAGACGCTGCGGGTCCTG-3'

ClinVar aggregate classification (germline): Likely benign (1 of 4 stars; one submission).

Allele frequency attached by ClinVar (database versions not stated): gnomAD 0.00046 and 0.00053; TOPMed 0.00057.
gnomAD v4.1: 121 of 1,218,842 alleles (0.0099%); highest among the groups gnomAD compares: African/African-American, 0.15%; no homozygotes.

Submission:

GeneDx
Classification: Likely benign. Last evaluated: 2017-10-16. Review status: criteria provided, single submitter. Criteria: GeneDx Variant Classification (06012015). Collection method: clinical testing. Allele origin: germline. Affected: yes.
Comment: This variant is considered likely benign or benign based on one or more of the following criteria: it is a conservative change, it occurs at a poorly conserved position in the protein, it is predicted to be benign by multiple in silico algorithms, and/or has population frequency not consistent with disease.